The following is an entry in ClinVar:

ClinVar aggregate classification (germline): Uncertain significance. Review status: criteria provided, multiple submitters, no conflicts (2 of 4 stars). 2 submissions from 2 submitters: Uncertain significance (2). Last evaluated 2024-08-05.

Allele frequency attached by ClinVar (database versions not stated): TOPMed below 0.00001.
gnomAD v4.1: 2 of 1,613,822 alleles (0.00012%); highest among the groups gnomAD compares: Non-Finnish European, 0.00017%; no homozygotes.

Submissions (2):

Blueprint Genetics
Classification: Uncertain significance. Last evaluated: 2024-08-05. Review status: criteria provided, single submitter. Criteria: ACMG Guidelines, 2015. Collection method: clinical testing. Allele origin: germline.

GeneDx
Classification: Uncertain significance. Last evaluated: 2017-10-03. Review status: criteria provided, single submitter. Criteria: GeneDx Variant Classification (06012015). Collection method: clinical testing. Allele origin: germline. Affected: yes.
Comment: The D188H variant in the PTPN11 gene has not been reported previously as a pathogenic variant, nor as a benign variant, to our knowledge. The D188H variant is not observed in large population cohorts (Lek et al., 2016). The D188H variant is a non-conservative amino acid substitution, which is likely to impact secondary protein structure as these residues differ in polarity, charge, size and/or other properties. This substitution occurs at a position that is conserved across species. In silico analysis predicts this variant is probably damaging to the protein structure/function. We interpret D188H as a variant of uncertain significance.

NM_002834.5(PTPN11):c.562G>C (p.Asp188His)

Gene: PTPN11 (protein tyrosine phosphatase non-receptor type 11; plus strand). Cytogenetic location: 12q24.13.
Variant type: single nucleotide variant.
Coding change: c.562G>C on transcript NM_002834.5 (MANE Select); coding-DNA position 562, G replaced by C.
Protein change: p.Asp188His; replaces aspartic acid 188 with histidine.
Molecular consequence: missense variant.
Genome position (GRCh38, 1-based): chr12:112,454,600, G>C. VCF-style: chr12-112454600-G-C. GRCh37 (hg19) VCF-style: chr12-112892404-G-C.
Other names: c.562G>C, p.Asp188His (NM_001330437.2, NM_080601.3); c.559G>C, p.Asp187His (NM_001374625.1); short protein forms D188H, D187H.
Identifiers: ClinVar variation 452559 (VCV000452559.3), dbSNP rs1555267939, ClinGen allele CA386782349.